The following is an entry in ClinVar:

ClinVar aggregate classification (germline): Likely pathogenic. Review status: reviewed by expert panel (3 of 4 stars). 14 submissions from 14 submitters: Likely pathogenic (1). 13 of the submissions do not count toward it. Last evaluated 2026-04-28.

Conditions:
DYSF-related disorder. Also called: DYSF-related condition; DYSF-related disorders.
Autosomal recessive limb-girdle muscular dystrophy. Identifiers: Orphanet 102015, MedGen C2931907, MONDO:0015152.
Autosomal recessive limb-girdle muscular dystrophy type 2B (LGMDR2). Also called: MUSCULAR DYSTROPHY, LIMB-GIRDLE, AUTOSOMAL RECESSIVE 2; Limb-girdle muscular dystrophy, type 2B; Limb-Girdle Muscular Dystrophy Type 2B (LGMD2B); MUSCULAR DYSTROPHY, LIMB-GIRDLE, TYPE 3. Identifiers: Orphanet 268, MedGen C1850889, MONDO:0009676, OMIM 253601.
Miyoshi muscular dystrophy 1 (MMD1). Identifiers: Orphanet 45448, MedGen C4551973, MONDO:0024545, OMIM 254130.
Distal myopathy with anterior tibial onset. Identifiers: Orphanet 178400, MedGen C1847532, MONDO:0011721, OMIM 606768.
Neuromuscular disease caused by qualitative or quantitative defects of dysferlin. Also called: Dysferlinopathy; Qualitative or quantitative defects of dysferlin. Identifiers: Orphanet 207073, MedGen C2931687, MONDO:0016145.

Allele frequency attached by ClinVar (database versions not stated): gnomAD 0.00014; TOPMed 0.00015; gnomAD exomes 0.00017 and 0.00021; ExAC 0.00018; ESP Exome Variant Server 0.00031.
gnomAD v4.1: 332 of 1,613,926 alleles (0.021%); highest among the groups gnomAD compares: Non-Finnish European, 0.026%; 1 homozygote.

Submissions (14):

ClinGen Limb Girdle Muscular Dystrophy Variant Curation Expert Panel, ClinGen
Classification: Likely pathogenic for Autosomal recessive limb-girdle muscular dystrophy. Last evaluated: 2026-04-28. Review status: reviewed by expert panel. Criteria: ClinGen LGMD VCEP ACMG Specifications DYSF V2.0.0. Collection method: curation. Allele origin: germline. Inheritance: Autosomal recessive inheritance.
Comment: The NM_003494.4: c.3121C>T variant in DYSF, which is also known as NM_001130987.2: c.3175C>T p.(Arg1059Cys), is a missense variant predicted to cause substitution of arginine to cysteine at amino acid 1041, p.(Arg1041Cys). This variant has been reported in at least four individuals with suspected LGMD including in a homozygous state in two individuals (1 pt, PMID: 15469449, 27602406) and with a second variant in unknown phase (c.2077delC p.(His693ThrfsTer4), 0.5 pts, PMID: 27602406) (PM3). The filtering allele frequency of this variant is 0.0002886 in gnomAD v4.1.1 (upper threshold of the 95% CI of 310/1179972 European (non-Finnish) chromosomes) which is greater than the ClinGen LGMD VCEP threshold (<0.0001) (PM2_Supporting and BS1 not applicable). The computational predictor REVEL gives a score of 0.82, which is above the LGMD VCEP threshold of ≥0.70, evidence that correlates with impact to DYSF function (PP3). At least one patient with suspected LGMD had this variant and a second presumed diagnostic DYSF variant and absent dysferlin protein expression, which is highly specific for DYSF-related LGMD (PMID: 15469449, 27602406; PP4_Strong). Immunofluorescence and 2-A assays of dysferlin membrane localization in HEK293T cells showed that the Arg1041Cys protein reached the cell membrane, indicating no significant impact on this aspect of protein function (PMID: 35028538; BS3 not met). In summary, this variant meets the criteria to be classified as likely pathogenic for autosomal recessive limb-girdle muscular dystrophy based on the ACMG/AMP criteria applied, as specified by the ClinGen LGMD VCEP (specifications v2.0.0; 04/28/2026): PP4_strong, PM3, PP3.

Women's Health and Genetics/Laboratory Corporation of America, LabCorp
Classification: Pathogenic for Autosomal recessive limb-girdle muscular dystrophy type 2B. Last evaluated: 2026-06-01. Review status: criteria provided, single submitter. Criteria: LabCorp Variant Classification Summary - May 2015. Collection method: clinical testing. Allele origin: germline. Not counted in ClinVar's aggregate classification.
Comment: Variant summary: DYSF c.3121C>T (p.Arg1041Cys) results in a non-conservative amino acid change in the encoded protein sequence. Algorithms developed to predict the effect of missense changes on protein structure and function all suggest that this variant is likely to be disruptive. The variant allele was found at a frequency of 0.00017 in 250558 control chromosomes. This frequency is not significantly higher than estimated for disease-causing variants in DYSF, allowing no conclusion about variant significance. c.3121C>T has been observed in multiple individuals affected with Autosomal recessive limb-girdle muscular dystrophy type 2B (Kawabe_2004, Moore_2021, Kablan_2025). These data indicate that the variant is very likely to be associated with disease. To our knowledge, no experimental evidence demonstrating an impact on protein function has been reported. The following publications have been ascertained in the context of this evaluation (PMID: 40189899, 15469449, 33610434). ClinVar contains an entry for this variant (Variation ID: 286743). Based on the evidence outlined above, the variant was classified as pathogenic.

Labcorp Genetics (formerly Invitae), Labcorp
Classification: Pathogenic for Neuromuscular disease caused by qualitative or quantitative defects of dysferlin. Last evaluated: 2026-01-11. Review status: criteria provided, single submitter. Criteria: Invitae Variant Classification Sherloc (09022015). Collection method: clinical testing. Allele origin: germline. Not counted in ClinVar's aggregate classification.
Comment: This sequence change replaces arginine, which is basic and polar, with cysteine, which is neutral and slightly polar, at codon 1041 of the DYSF protein (p.Arg1041Cys). This variant is present in population databases (rs144598063, gnomAD 0.04%). This missense change has been observed in individual(s) with limb-girdle muscular dystrophy and/or Miyoshi myopathy (PMID: 15469449, 33610434). ClinVar contains an entry for this variant (Variation ID: 286743). Invitae Evidence Modeling of protein sequence and biophysical properties (such as structural, functional, and spatial information, amino acid conservation, physicochemical variation, residue mobility, and thermodynamic stability) has been performed for this missense variant. However, the output from this modeling did not meet the statistical confidence thresholds required to predict the impact of this variant on DYSF protein function. For these reasons, this variant has been classified as Pathogenic.

GeneDx
Classification: Uncertain significance. Last evaluated: 2025-04-15. Review status: criteria provided, single submitter. Criteria: GeneDx Variant Classification Process June 2021. Collection method: clinical testing. Allele origin: germline. Affected: yes. Not counted in ClinVar's aggregate classification.
Comment: In silico analysis supports that this missense variant has a deleterious effect on protein structure/function; This variant is associated with the following publications: (PMID: 24438169, 34426522, 33805315, 32419263, 15469449, 33610434)

Blueprint Genetics
Classification: Likely pathogenic for DYSF-related disorders. Last evaluated: 2024-11-25. Review status: criteria provided, single submitter. Criteria: ACMG Guidelines, 2015. Collection method: clinical testing. Allele origin: germline. Affected: yes. Observed: 5 variant alleles. Not counted in ClinVar's aggregate classification.

Fulgent Genetics
Classification: Likely pathogenic for Autosomal recessive limb-girdle muscular dystrophy type 2B; Miyoshi muscular dystrophy 1; Distal myopathy with anterior tibial onset. Last evaluated: 2024-06-13. Review status: criteria provided, single submitter. Criteria: ACMG Guidelines, 2015. Collection method: clinical testing. Allele origin: germline. Not counted in ClinVar's aggregate classification.

Baylor Genetics
Classification: Uncertain significance for Autosomal recessive limb-girdle muscular dystrophy type 2B. Last evaluated: 2023-11-01. Review status: criteria provided, single submitter. Criteria: ACMG Guidelines, 2015. Collection method: clinical testing. Allele origin: unknown. Not counted in ClinVar's aggregate classification.

CeGaT Center for Human Genetics Tuebingen
Classification: Uncertain significance. Last evaluated: 2023-08-01. Review status: criteria provided, single submitter. Criteria: CeGaT Center For Human Genetics Tuebingen Variant Classification Criteria Version 2. Collection method: clinical testing. Allele origin: germline. Affected: yes. Observed: 1 variant allele. Not counted in ClinVar's aggregate classification.
Comment: DYSF: PM2, PM3, PP3

Department of Pathology and Laboratory Medicine, Sinai Health System
Classification: Uncertain significance for Autosomal recessive limb-girdle muscular dystrophy type 2B; Distal myopathy with anterior tibial onset; Miyoshi muscular dystrophy 1. Last evaluated: 2022-12-05. Review status: criteria provided, single submitter. Criteria: ACMG Guidelines, 2015. Collection method: research. Allele origin: germline. Not counted in ClinVar's aggregate classification.

Revvity Omics, Revvity
Classification: Uncertain significance. Last evaluated: 2021-06-19. Review status: criteria provided, single submitter. Criteria: ACMG Guidelines, 2015. Collection method: clinical testing. Allele origin: germline. Not counted in ClinVar's aggregate classification.

Eurofins Ntd Llc (ga)
Classification: Uncertain significance. Last evaluated: 2017-12-29. Review status: criteria provided, single submitter. Criteria: EGL Classification Definitions 2015. Collection method: clinical testing. Allele origin: germline. Observed: 3 variant alleles, 3 heterozygotes. Not counted in ClinVar's aggregate classification.

PreventionGenetics, part of Exact Sciences
Classification: Uncertain significance for DYSF-related condition. Last evaluated: 2024-05-10. Review status: no assertion criteria provided. Collection method: clinical testing. Allele origin: germline. Not counted in ClinVar's aggregate classification.
Comment: The DYSF c.3121C>T variant is predicted to result in the amino acid substitution p.Arg1041Cys. This variant has been reported in the homozygous state in an individual with Miyoshi myopathy (Kawabe et al. 2004. PubMed ID: 15469449). This variant has also been reported in the compound heterozygous state in two additional individuals with dysferlinopathy and reduced or absent dysferlin on muscle biopsy; however one of the individuals also harbored a third DYSF variant (Table S1 in Moore et al. 2021. PubMed ID: 33610434). This variant is reported in 0.037% of alleles in individuals of European (Non-Finnish) descent in gnomAD. Additionally, gnomAD v.4.1.0 reports a homozygous individual. Given the conflicting evidence, at this time, the clinical significance of this variant is uncertain.

Natera, Inc.
Classification: Uncertain significance for Limb-girdle muscular dystrophy type 2B. Last evaluated: 2020-01-10. Review status: no assertion criteria provided. Collection method: clinical testing. Allele origin: germline. Not counted in ClinVar's aggregate classification.

Counsyl
Classification: Uncertain significance for Autosomal recessive limb-girdle muscular dystrophy type 2B. Last evaluated: 2017-02-22. Review status: no assertion criteria provided. Collection method: clinical testing. Allele origin: unknown. Not counted in ClinVar's aggregate classification.

Literature cited by the submitters: PubMed 33610434 (cited by Women's Health and Genetics/Laboratory Corporation of America, LabCorp and Labcorp Genetics (formerly Invitae), Labcorp); PubMed 15469449 (cited by 3 submitters); PubMed 40189899 (cited by Women's Health and Genetics/Laboratory Corporation of America, LabCorp).

NM_001130987.2(DYSF):c.3175C>T (p.Arg1059Cys)

Gene: DYSF (dysferlin; plus strand). Cytogenetic location: 2p13.2.
Variant type: single nucleotide variant.
Coding change: c.3175C>T on transcript NM_001130987.2 (MANE Select); coding-DNA position 3175, C replaced by T.
Protein change: p.Arg1059Cys; replaces arginine 1059 with cysteine.
Molecular consequence: missense variant.
Genome position (GRCh38, 1-based): chr2:71,570,688, C>T. VCF-style: chr2-71570688-C-T. GRCh37 (hg19) VCF-style: chr2-71797818-C-T.
Other names: NM_001130987.2(DYSF):c.3175C>T; p.Arg1059Cys; c.3124C>T, p.Arg1042Cys (NM_001130455.2, NM_001130983.2); c.3079C>T, p.Arg1027Cys (NM_001130976.2, NM_001130977.2); c.3121C>T, p.Arg1041Cys (NM_001130978.2, NM_003494.4); c.3214C>T, p.Arg1072Cys (NM_001130979.2); c.3172C>T, p.Arg1058Cys (NM_001130980.2, NM_001130981.2); c.3217C>T, p.Arg1073Cys (NM_001130982.2); and 2 more; short protein forms R1041C, R1059C, R1027C, R1028C, R1042C, R1058C, R1072C, R1073C.
Identifiers: ClinVar variation 286743 (VCV000286743.51), dbSNP rs144598063, ClinGen allele CA1706454.